The following is an entry in ClinVar:

NM_003737.4(DCHS1):c.819T>C (p.Pro273=)

Gene: DCHS1 (dachsous cadherin-related 1; minus strand). Cytogenetic location: 11p15.4.
Variant type: single nucleotide variant.
Coding change: c.819T>C on transcript NM_003737.4 (MANE Select); coding-DNA position 819, T replaced by C.
Protein change: p.Pro273=; no amino-acid change (proline 273 retained).
Molecular consequence: synonymous variant.
Genome position (GRCh38, 1-based): chr11:6,640,795, A>G on the plus strand (T>C on the coding strand, the complement: DCHS1 is on the minus strand). VCF-style: chr11-6640795-A-G. GRCh37 (hg19) VCF-style: chr11-6662026-A-G.
Identifiers: ClinVar variation 4538249 (VCV004538249.2).
Genomic context (GRCh38, chr11:6,640,795, plus strand): 5'-CTCGTAAGTCACAGCCCCATTGACACCAGCATCGGCATCAGATGCGAACACCTGCAAGAC[A>G]GGACTGCCAGGGGCCAGGCTCTCAGACACCACAGCATGGTAGCGGCTCTGATTGAAAGCC-3'
Protein context (NP_003728.1, residues 263-283): VVSESLAPGS[Pro273=]VLQVFASDAD

ClinVar aggregate classification (germline): Conflicting classifications of pathogenicity. Review status: criteria provided, conflicting classifications (1 of 4 stars). 2 submissions from 2 submitters: Uncertain significance (1); Likely benign (1). Last evaluated 2026-09-01.

gnomAD v4.1: 28 of 1,613,916 alleles (0.0017%); highest among the groups gnomAD compares: Admixed American, 0.01%; no homozygotes.

Submissions (2):

CeGaT Center for Human Genetics Tuebingen
Classification: Likely benign. Last evaluated: 2026-09-01. Review status: criteria provided, single submitter. Criteria: CeGaT Center For Human Genetics Tuebingen Variant Classification Criteria Version 2. Collection method: clinical testing. Allele origin: germline. Affected: yes. Observed: 1 variant allele.
Comment: DCHS1: BP4, BP7

Greenwood Genetic Center Diagnostic Laboratories, Greenwood Genetic Center
Classification: Uncertain significance. Last evaluated: 2025-05-20. Review status: criteria provided, single submitter. Criteria: ACMG Guidelines, 2015. Collection method: clinical testing. Allele origin: germline. Affected: yes.
Comment: PM2, BP4